The following is an entry in ClinVar:

NM_000426.4(LAMA2):c.3300C>A (p.Tyr1100Ter)

Gene: LAMA2 (laminin subunit alpha 2; plus strand). Cytogenetic location: 6q22.33.
Variant type: single nucleotide variant.
Coding change: c.3300C>A on transcript NM_000426.4 (MANE Select); coding-DNA position 3300, C replaced by A.
Protein change: p.Tyr1100Ter; replaces tyrosine 1100 with a stop codon.
Molecular consequence: nonsense.
Genome position (GRCh38, 1-based): chr6:129,312,986, C>A. VCF-style: chr6-129312986-C-A. GRCh37 (hg19) VCF-style: chr6-129634131-C-A.
Other names: c.3300C>A, p.Tyr1100Ter (NM_001079823.2); short protein forms Y1100*.
Identifiers: ClinVar variation 1073388 (VCV001073388.8), dbSNP rs1583469993, ClinGen allele CA365611908.

ClinVar aggregate classification (germline): Pathogenic. Review status: criteria provided, multiple submitters, no conflicts (2 of 4 stars). 2 submissions from 2 submitters: Pathogenic (2). Last evaluated 2023-10-07.

Conditions:
LAMA2-related muscular dystrophy (LAMA2-RD). Also called: Laminin alpha 2-related dystrophy. Identifiers: MedGen C5679788, MONDO:0100228.

Submissions (2):

Myriad Genetics, Inc.
Classification: Pathogenic for LAMA2-related muscular dystrophy. Last evaluated: 2023-10-07. Review status: criteria provided, single submitter. Criteria: Myriad Autosomal Dominant, Autosomal Recessive and X-Linked Classification Criteria (2023). Collection method: clinical testing. Allele origin: unknown.
Comment: NM_000426.3(LAMA2):c.3300C>A(Y1100*) is expected to be pathogenic in the context of muscular dystrophy, LAMA2-related. This variant is predicted to lead to an abnormal or absent protein product due to the creation of a premature termination codon in LAMA2, a gene where loss-of-function variants are known to be pathogenic. Please note: this variant was assessed in the context of healthy population screening.

Labcorp Genetics (formerly Invitae), Labcorp
Classification: Pathogenic for LAMA2-related muscular dystrophy. Last evaluated: 2021-08-14. Review status: criteria provided, single submitter. Criteria: Invitae Variant Classification Sherloc (09022015). Collection method: clinical testing. Allele origin: germline.
Comment: This sequence change creates a premature translational stop signal (p.Tyr1100*) in the LAMA2 gene. It is expected to result in an absent or disrupted protein product. Loss-of-function variants in LAMA2 are known to be pathogenic (PMID: 18700894). This variant is not present in population databases (ExAC no frequency). This variant has not been reported in the literature in individuals with LAMA2-related conditions. For these reasons, this variant has been classified as Pathogenic.

Literature cited by the submitters: PubMed 18700894 (cited by Labcorp Genetics (formerly Invitae), Labcorp).